The following is an entry in ClinVar:

ClinVar aggregate classification (germline): Uncertain significance (1 of 4 stars; one submission).

Submission:

Labcorp Genetics (formerly Invitae), Labcorp
Classification: Uncertain significance. Last evaluated: 2022-05-27. Review status: criteria provided, single submitter. Criteria: Invitae Variant Classification Sherloc (09022015). Collection method: clinical testing. Allele origin: germline.
Comment: This variant is not present in population databases (gnomAD no frequency). This sequence change creates a premature translational stop signal (p.Asn252Valfs*11) in the DNASE1L3 gene. While this is not anticipated to result in nonsense mediated decay, it is expected to disrupt the last 54 amino acid(s) of the DNASE1L3 protein. This variant has not been reported in the literature in individuals affected with DNASE1L3-related conditions. In summary, the available evidence is currently insufficient to determine the role of this variant in disease. Therefore, it has been classified as a Variant of Uncertain Significance. Experimental studies and prediction algorithms are not available or were not evaluated, and the functional significance of this variant is currently unknown.

NM_004944.4(DNASE1L3):c.754_757del (p.Asn252fs)

Gene: DNASE1L3 (deoxyribonuclease 1L3; minus strand). Cytogenetic location: 3p14.3.
Variant type: Deletion.
Coding change: c.754_757del on transcript NM_004944.4 (MANE Select); coding-DNA positions 754 to 757, 4 bases deleted (AACA; older notation c.754_757delAACA).
Protein change: p.Asn252fs; shifts the reading frame from asparagine 252.
Molecular consequence: frameshift variant.
Genome position (GRCh38, 1-based): chr3:58,193,387-58,193,390, TGTT deleted on the plus strand (AACA on the coding strand, the reverse complement: DNASE1L3 is on the minus strand); deleting any 4 consecutive bases within chr3:58,193,387-58,193,392 gives the same sequence; the c. name uses the placement nearest the transcript's 3' end. VCF-style (leftmost placement, unchanged base first): chr3-58193386-CTGTT-C. GRCh37 (hg19) VCF-style: chr3-58179113-CTGTT-C.
Other names: c.664_667del, p.Asn222fs (NM_001256560.2); short protein forms N222fs, N252fs.
Identifiers: ClinVar variation 1350297 (VCV001350297.6), dbSNP rs2107365822, ClinGen allele CA2573137410.